The following is an entry in ClinVar:

ClinVar aggregate classification (germline): Pathogenic (1 of 4 stars; one submission).

Conditions:
Hajdu-Cheney syndrome (HJCYS). Also called: ACROOSTEOLYSIS WITH OSTEOPOROSIS AND CHANGES IN SKULL AND MANDIBLE; SERPENTINE FIBULA-POLYCYSTIC KIDNEY SYNDROME; Acroosteolysis dominant type. Identifiers: Orphanet 955, MedGen C0917715, MONDO:0007057, OMIM 102500.

Submission:

Labcorp Genetics (formerly Invitae), Labcorp
Classification: Pathogenic for Hajdu-Cheney syndrome. Last evaluated: 2025-12-08. Review status: criteria provided, single submitter. Criteria: Invitae Variant Classification Sherloc (09022015). Collection method: clinical testing. Allele origin: germline.
Comment: This sequence change creates a premature translational stop signal (p.Glu2344*) in the NOTCH2 gene. While this is not anticipated to result in nonsense mediated decay, it is expected to disrupt the last 128 amino acid(s) of the NOTCH2 protein. This variant is not present in population databases (gnomAD no frequency). This premature translational stop signal has been observed in individual(s) with clinical features of NOTCH-2 related conditions (internal data). In at least one individual the variant was observed to be de novo. ClinVar contains an entry for this variant (Variation ID: 1992457). Experimental studies and prediction algorithms are not available or were not evaluated, and the functional significance of this variant is currently unknown. For these reasons, this variant has been classified as Pathogenic.

NM_024408.4(NOTCH2):c.7030G>T (p.Glu2344Ter)

Gene: NOTCH2 (notch receptor 2; minus strand). Cytogenetic location: 1p12.
Variant type: single nucleotide variant.
Coding change: c.7030G>T on transcript NM_024408.4 (MANE Select); coding-DNA position 7030, G replaced by T.
Protein change: p.Glu2344Ter; replaces glutamic acid 2344 with a stop codon.
Molecular consequence: nonsense.
Genome position (GRCh38, 1-based): chr1:119,915,692, C>A on the plus strand (G>T on the coding strand, the complement: NOTCH2 is on the minus strand). VCF-style: chr1-119915692-C-A. GRCh37 (hg19) VCF-style: chr1-120458315-C-A.
Other names: short protein forms E2344*.
Identifiers: ClinVar variation 1992457 (VCV001992457.4), dbSNP rs2101142159, ClinGen allele CA341874057.